The following is an entry in ClinVar:

ClinVar aggregate classification (germline): Uncertain significance (1 of 4 stars; one submission).

Allele frequency attached by ClinVar (database versions not stated): TOPMed 0.00025; gnomAD exomes 0.00017; gnomAD 0.00028; ExAC 0.00045.
gnomAD v4.1: 307 of 1,534,858 alleles (0.02%); highest among the groups gnomAD compares: Admixed American, 0.0043%; no homozygotes.

Submission:

GeneDx
Classification: Uncertain significance. Last evaluated: 2026-08-22. Review status: criteria provided, single submitter. Criteria: GeneDx Variant Classification Process June 2021. Collection method: clinical testing. Allele origin: germline.
Comment: In silico analysis suggests that this variant does not alter splicing; Has not been previously published as pathogenic or benign to our knowledge

NM_001367479.1(DNAH14):c.3573+3A>G

Gene: DNAH14 (dynein axonemal heavy chain 14; plus strand). Cytogenetic location: 1q42.12.
Variant type: single nucleotide variant.
Coding change: c.3573+3A>G on transcript NM_001367479.1 (MANE Select); 3 bases into the intron after coding-DNA position 3573, A replaced by G.
Molecular consequence: intron variant.
Genome position (GRCh38, 1-based): chr1:225,085,792, A>G. VCF-style: chr1-225085792-A-G. GRCh37 (hg19) VCF-style: chr1-225273494-A-G.
Identifiers: ClinVar variation 1878754 (VCV001878754.4), dbSNP rs201707947, ClinGen allele CA1415898.